The following is an entry in ClinVar:

ClinVar aggregate classification (germline): Uncertain significance. Review status: criteria provided, multiple submitters, no conflicts (2 of 4 stars). 4 submissions from 4 submitters: Uncertain significance (4). Last evaluated 2025-10-06.

Conditions:
PEX6-related disorder. Also called: PEX6-related condition; PEX6-related disorders.
Inborn genetic diseases. Identifiers: MedGen C0950123, MeSH D030342.
Peroxisome biogenesis disorder. Identifiers: Orphanet 79189, MedGen C1832200, MONDO:0019234. Disease mechanism: loss of function.

Allele frequency attached by ClinVar (database versions not stated): TOPMed below 0.00001; ExAC 0.00006.
gnomAD v4.1: 3 of 1,578,270 alleles (0.00019%); highest among the groups gnomAD compares: Admixed American, 0.0035%; no homozygotes.

Submissions (4):

PreventionGenetics, part of Exact Sciences
Classification: Uncertain significance for PEX6-related condition. Last evaluated: 2025-10-06. Review status: criteria provided, single submitter. Criteria: ACMG Guidelines, 2015. Collection method: clinical testing. Allele origin: germline.
Comment: The PEX6 c.4G>A variant is predicted to result in the amino acid substitution p.Ala2Thr. To our knowledge, this variant has not been reported in the literature. This variant is reported in 0.0037% of alleles in individuals of South Asian descent in gnomAD. At this time, the clinical significance of this variant is uncertain due to the absence of conclusive functional and genetic evidence.

Ambry Genetics
Classification: Uncertain significance for Inborn genetic diseases. Last evaluated: 2024-12-23. Review status: criteria provided, single submitter. Criteria: Ambry Variant Classification Scheme 2023. Collection method: clinical testing. Allele origin: germline.

Labcorp Genetics (formerly Invitae), Labcorp
Classification: Uncertain significance for Peroxisome biogenesis disorder. Last evaluated: 2022-07-26. Review status: criteria provided, single submitter. Criteria: Invitae Variant Classification Sherloc (09022015). Collection method: clinical testing. Allele origin: germline.
Comment: This sequence change replaces alanine, which is neutral and non-polar, with threonine, which is neutral and polar, at codon 2 of the PEX6 protein (p.Ala2Thr). The frequency data for this variant in the population databases is considered unreliable, as metrics indicate poor data quality at this position in the gnomAD database. This variant has not been reported in the literature in individuals affected with PEX6-related conditions. ClinVar contains an entry for this variant (Variation ID: 594391). Algorithms developed to predict the effect of missense changes on protein structure and function output the following: SIFT: "Tolerated"; PolyPhen-2: "Benign"; Align-GVGD: "Class C0". The threonine amino acid residue is found in multiple mammalian species, which suggests that this missense change does not adversely affect protein function. In summary, the available evidence is currently insufficient to determine the role of this variant in disease. Therefore, it has been classified as a Variant of Uncertain Significance.

Eurofins Ntd Llc (ga)
Classification: Uncertain significance. Last evaluated: 2017-10-05. Review status: criteria provided, single submitter. Criteria: EGL Classification Definitions 2015. Collection method: clinical testing. Allele origin: germline. Observed: 1 variant allele, 1 heterozygote.

NM_000287.4(PEX6):c.4G>A (p.Ala2Thr)

Gene: PEX6 (peroxisomal biogenesis factor 6; minus strand). Cytogenetic location: 6p21.1.
Variant type: single nucleotide variant.
Coding change: c.4G>A on transcript NM_000287.4 (MANE Select); coding-DNA position 4, G replaced by A.
Protein change: p.Ala2Thr; replaces alanine 2 with threonine.
Molecular consequence: missense variant. On other transcripts: non-coding transcript variant (1).
Genome position (GRCh38, 1-based): chr6:42,979,147, C>T on the plus strand (G>A on the coding strand, the complement: PEX6 is on the minus strand). VCF-style: chr6-42979147-C-T. GRCh37 (hg19) VCF-style: chr6-42946885-C-T.
Other names: c.4G>A, p.Ala2Thr (NM_001316313.2); c.4G>A (NM_000287.3); short protein forms A2T.
Identifiers: ClinVar variation 594391 (VCV000594391.12), dbSNP rs748585216, ClinGen allele CA3811652.
Genomic context (GRCh38, chr6:42,979,147, plus strand): 5'-GCACTGCCAACGGGGGTGTCTCGGTCGGAAAGGGCTCCAGGACCCGCAAGACAGCCAGCG[C>T]CATGGTGACAGGACACCAACGAGGAGGGTGAAGGAGCGCAGCTTCCGGAGCCAGAGAGCC-3'
Protein context (NP_000278.3, residues 1-12): M[Ala2Thr]LAVLRVLEPF